The following is an entry in ClinVar:

NM_001278116.2(L1CAM):c.1668C>T (p.Asp556=)

Gene: L1CAM (L1 cell adhesion molecule; minus strand). Cytogenetic location: Xq28.
Variant type: single nucleotide variant.
Coding change: c.1668C>T on transcript NM_001278116.2 (MANE Select); coding-DNA position 1668, C replaced by T.
Protein change: p.Asp556=; no amino-acid change (aspartic acid 556 retained).
Molecular consequence: synonymous variant.
Genome position (GRCh38, 1-based): chrX:153,868,337, G>A on the plus strand (C>T on the coding strand, the complement: L1CAM is on the minus strand). VCF-style: chrX-153868337-G-A. GRCh37 (hg19) VCF-style: chrX-153133792-G-A.
Other names: c.1668C>T, p.Asp556= (NM_000425.5, NM_024003.3); c.1653C>T, p.Asp551= (NM_001143963.2); c.1668C>T (NM_000425.4).
Identifiers: ClinVar variation 2074577 (VCV002074577.6), dbSNP rs932075183, ClinGen allele CA337262436.

ClinVar aggregate classification (germline): Likely benign. Review status: criteria provided, single submitter (1 of 4 stars). 2 submissions from 2 submitters: Likely benign (1). 1 of the submissions does not count toward it. Last evaluated 2025-12-30.

Conditions:
Spastic paraplegia. Identifiers: MedGen C0037772, HP:0001258.
L1CAM-related disorder. Also called: L1CAM-related condition.

Allele frequency attached by ClinVar (database versions not stated): gnomAD 0.00001; gnomAD exomes 0.00003.
gnomAD v4.1: 28 of 1,210,188 alleles (0.0023%); highest among the groups gnomAD compares: South Asian, 0.011%; no homozygotes.

Submissions (2):

Labcorp Genetics (formerly Invitae), Labcorp
Classification: Likely benign for Spastic paraplegia. Last evaluated: 2025-12-30. Review status: criteria provided, single submitter. Criteria: Invitae Variant Classification Sherloc (09022015). Collection method: clinical testing. Allele origin: germline.

PreventionGenetics, part of Exact Sciences
Classification: Likely benign for L1CAM-related condition. Last evaluated: 2023-05-19. Review status: no assertion criteria provided. Collection method: clinical testing. Allele origin: germline. Not counted in ClinVar's aggregate classification.
Comment: This variant is classified as likely benign based on ACMG/AMP sequence variant interpretation guidelines (Richards et al. 2015 PMID: 25741868, with internal and published modifications).